The following is an entry in ClinVar:

ClinVar aggregate classification (germline): Uncertain significance (1 of 4 stars; one submission).

Submission:

Labcorp Genetics (formerly Invitae), Labcorp
Classification: Uncertain significance. Last evaluated: 2022-08-08. Review status: criteria provided, single submitter. Criteria: Invitae Variant Classification Sherloc (09022015). Collection method: clinical testing. Allele origin: germline.
Comment: This variant has not been reported in the literature in individuals affected with RDH11-related conditions. In summary, the available evidence is currently insufficient to determine the role of this variant in disease. Therefore, it has been classified as a Variant of Uncertain Significance. Algorithms developed to predict the effect of sequence changes on RNA splicing suggest that this variant may create or strengthen a splice site. Algorithms developed to predict the effect of missense changes on protein structure and function are either unavailable or do not agree on the potential impact of this missense change (SIFT: "Deleterious"; PolyPhen-2: "Possibly Damaging"; Align-GVGD: "Class C0"). This variant is not present in population databases (gnomAD no frequency). This sequence change replaces glutamic acid, which is acidic and polar, with glycine, which is neutral and non-polar, at codon 60 of the RDH11 protein (p.Glu60Gly).

NM_016026.4(RDH11):c.179A>G (p.Glu60Gly)

Genes: GPHN (gephyrin; plus strand), RDH11 (retinol dehydrogenase 11; minus strand). Cytogenetic location: 14q24.1.
Variant type: single nucleotide variant.
Coding change: c.179A>G on transcript NM_016026.4 (MANE Select); coding-DNA position 179, A replaced by G.
Protein change: p.Glu60Gly; replaces glutamic acid 60 with glycine.
Molecular consequence: missense variant.
Genome position (GRCh38, 1-based): chr14:67,692,948, T>C on the plus strand (A>G on the coding strand, the complement: RDH11 is on the minus strand). VCF-style: chr14-67692948-T-C. GRCh37 (hg19) VCF-style: chr14-68159665-T-C.
Other names: c.179A>G, p.Glu60Gly (NM_001252650.2); short protein forms E60G.
Identifiers: ClinVar variation 1715630 (VCV001715630.5), dbSNP rs2503650011, ClinGen allele CA390136989.